The following is an entry in ClinVar:

NM_001384732.1(CPLANE1):c.9040del (p.Ser3014fs)

Gene: CPLANE1 (ciliogenesis and planar polarity effector complex subunit 1; minus strand). Cytogenetic location: 5p13.2.
Variant type: Deletion.
Coding change: c.9040del on transcript NM_001384732.1 (MANE Select); coding-DNA position 9040, one base deleted (A; older notation c.9040delA).
Protein change: p.Ser3014fs; shifts the reading frame from serine 3014.
Molecular consequence: frameshift variant.
Genome position (GRCh38, 1-based): chr5:37,121,762, T deleted on the plus strand (A on the coding strand, the reverse complement: CPLANE1 is on the minus strand). VCF-style (leftmost placement, unchanged base first): chr5-37121761-CT-C. GRCh37 (hg19) VCF-style: chr5-37121863-CT-C.
Other names: c.8878del, p.Ser2960fs (NM_023073.4); short protein forms S2960fs, S3014fs.
Identifiers: ClinVar variation 4727889 (VCV004727889.1).

ClinVar aggregate classification (germline): Pathogenic (1 of 4 stars; one submission).

Submission:

Labcorp Genetics (formerly Invitae), Labcorp
Classification: Pathogenic. Last evaluated: 2025-09-26. Review status: criteria provided, single submitter. Criteria: Invitae Variant Classification Sherloc (09022015). Collection method: clinical testing. Allele origin: germline.
Comment: This sequence change creates a premature translational stop signal (p.Ser2960Valfs*10) in the CPLANE1 gene. It is expected to result in an absent or disrupted protein product. Loss-of-function variants in CPLANE1 are known to be pathogenic (PMID: 24178751, 26092869). This variant is not present in population databases (gnomAD no frequency). This variant has not been reported in the literature in individuals affected with CPLANE1-related conditions. For these reasons, this variant has been classified as Pathogenic.

Literature cited by the submitters: PubMed 24178751; PubMed 26092869.